The following is an entry in ClinVar:

NM_001614.5(ACTG1):c.542C>T (p.Ala181Val)

Gene: ACTG1 (actin gamma 1; minus strand). Cytogenetic location: 17q25.3.
Variant type: single nucleotide variant.
Coding change: c.542C>T on transcript NM_001614.5 (MANE Select); coding-DNA position 542, C replaced by T.
Protein change: p.Ala181Val; replaces alanine 181 with valine.
Molecular consequence: missense variant. On other transcripts: non-coding transcript variant (1).
Genome position (GRCh38, 1-based): chr17:81,511,448, G>A on the plus strand (C>T on the coding strand, the complement: ACTG1 is on the minus strand). VCF-style: chr17-81511448-G-A. GRCh37 (hg19) VCF-style: chr17-79478474-G-A.
Other names: c.542C>T, p.Ala181Val (NM_001199954.3); short protein forms A181V.
Identifiers: ClinVar variation 197198 (VCV000197198.13), dbSNP rs797044730, ClinGen allele CA245195.

ClinVar aggregate classification (germline): Conflicting classifications of pathogenicity. Review status: criteria provided, conflicting classifications (1 of 4 stars). 4 submissions from 4 submitters: Pathogenic (1); Likely pathogenic (1); Uncertain significance (2). Last evaluated 2022-07-31.

Conditions:
Inborn genetic diseases. Identifiers: MedGen C0950123, MeSH D030342.
Autosomal dominant nonsyndromic hearing loss 20. Identifiers: Orphanet 90635, MedGen C1858172, MONDO:0011480, OMIM 604717.

Submissions (4):

GeneDx
Classification: Pathogenic. Last evaluated: 2022-07-31. Review status: criteria provided, single submitter. Criteria: GeneDx Variant Classification Process June 2021. Collection method: clinical testing. Allele origin: germline. Affected: yes.
Comment: Not observed at significant frequency in large population cohorts (gnomAD); The majority of missense variants in this gene are considered pathogenic (HGMD); In silico analysis, which includes protein predictors and evolutionary conservation, supports a deleterious effect; This variant is associated with the following publications: (PMID: 35054877)

Mendelics
Classification: Likely pathogenic for Autosomal dominant nonsyndromic hearing loss 20. Last evaluated: 2022-05-04. Review status: criteria provided, single submitter. Criteria: Mendelics Assertion Criteria 2019. Collection method: clinical testing. Allele origin: germline.

Ambry Genetics
Classification: Uncertain significance for Inborn genetic diseases. Last evaluated: 2016-11-02. Review status: criteria provided, single submitter. Criteria: Ambry exome assertion method (8-5-2015). Collection method: clinical testing. Allele origin: germline. Affected: yes. Observed: 1 variant allele.

Eurofins Ntd Llc (ga)
Classification: Uncertain significance. Last evaluated: 2015-01-27. Review status: criteria provided, single submitter. Criteria: EGL Classification Definitions 2015. Collection method: clinical testing. Allele origin: germline. Observed: 1 variant allele, 1 heterozygote.